The following is an entry in ClinVar:

ClinVar aggregate classification (germline): Uncertain significance. Review status: criteria provided, multiple submitters, no conflicts (2 of 4 stars). 3 submissions from 3 submitters: Uncertain significance (3). Last evaluated 2024-12-02.

Conditions:
Spermatogenic failure 28. Identifiers: MedGen C4748117, MONDO:0054732, OMIM 618086.
Premature ovarian failure 15. Identifiers: MedGen C4748170, MONDO:0054862, OMIM 618096.
Hereditary breast ovarian cancer syndrome. Also called: Hereditary breast and/or ovarian cancer syndrome; Hereditary breast and ovarian cancer syndrome (HBOC); Breast and ovarian cancer; Hereditary breast and ovarian cancer; BRCA1- and BRCA2-Associated Hereditary Breast and Ovarian Cancer; Hereditary breast and ovarian cancer syndrome. Identifiers: Orphanet 145, MedGen C0677776, MeSH D061325, MONDO:0003582. Disease mechanism: loss of function.

Allele frequency attached by ClinVar (database versions not stated): TOPMed 0.00001; ExAC 0.00002; gnomAD 0.00002; gnomAD exomes 0.00002; ESP Exome Variant Server 0.00008.

Submissions (3):

Quest Diagnostics Nichols Institute San Juan Capistrano
Classification: Uncertain significance. Last evaluated: 2024-12-02. Review status: criteria provided, single submitter. Criteria: Quest Diagnostics criteria. Collection method: clinical testing. Allele origin: unknown.
Comment: The FANCM c.2444C>T (p.Ser815Leu) variant has been reported in the published literature in an individual with ovarian cancer as well as in reportedly healthy individuals (PMID: 36707629 (2023)). The frequency of this variant in the general population (Genome Aggregation Database) is uninformative in the assessment of its pathogenicity. Analysis of this variant using bioinformatics tools for the prediction of the effect of amino acid changes on protein structure and function yielded predictions that this variant is benign. Based on the available information, we are unable to determine the clinical significance of this variant.

Fulgent Genetics
Classification: Uncertain significance for Spermatogenic failure 28; Premature ovarian failure 15. Last evaluated: 2021-10-27. Review status: criteria provided, single submitter. Criteria: ACMG Guidelines, 2015. Collection method: clinical testing. Allele origin: unknown.

Cancer Genomics Group, Japanese Foundation For Cancer Research
Classification: Uncertain significance for Hereditary breast and ovarian cancer syndrome. Last evaluated: 2019-05-01. Review status: criteria provided, single submitter. Criteria: ACMG Guidelines, 2015. Collection method: research. Allele origin: germline. Affected: yes.

Literature cited by the submitters: PubMed 36707629 (cited by Quest Diagnostics Nichols Institute San Juan Capistrano).

NM_020937.4(FANCM):c.2444C>T (p.Ser815Leu)

Gene: FANCM (FA complementation group M; plus strand). Cytogenetic location: 14q21.2.
Variant type: single nucleotide variant.
Coding change: c.2444C>T on transcript NM_020937.4 (MANE Select); coding-DNA position 2444, C replaced by T.
Protein change: p.Ser815Leu; replaces serine 815 with leucine.
Molecular consequence: missense variant.
Genome position (GRCh38, 1-based): chr14:45,175,198, C>T. VCF-style: chr14-45175198-C-T. GRCh37 (hg19) VCF-style: chr14-45644401-C-T.
Other names: c.2366C>T, p.Ser789Leu (NM_001308133.2); c.2444C>T (NM_020937.3); short protein forms S789L, S815L.
Identifiers: ClinVar variation 830246 (VCV000830246.5), dbSNP rs371688801, ClinGen allele CA7169352.
Genomic context (GRCh38, chr14:45,175,198, plus strand): 5'-TTGCTCCCAGGAATGAATCTAATAATCTTGCCAGTGACACCTTTATCACTCACAAGAAAT[C>T]GTCATTTATAAAGAACATAAATCAAGGCAGTTCATCCTCAGTGATAGAATCTGATGAAGA-3'
Protein context (NP_065988.1, residues 805-825): ASDTFITHKK[Ser815Leu]SFIKNINQGS